The following is an entry in ClinVar:

ClinVar aggregate classification (germline): Uncertain significance. Review status: criteria provided, multiple submitters, no conflicts (2 of 4 stars). 2 submissions from 2 submitters: Uncertain significance (2). Last evaluated 2023-08-15.

Conditions:
Retinoblastoma (RB1). Also called: RETINOBLASTOMA, SOMATIC. Identifiers: Orphanet 790, MedGen C0035335, MeSH D012175, MONDO:0008380, OMIM 180200, HP:0009919. Disease mechanism: loss of function. Inheritance: Both sporadic and heritable forms are tested..

Submissions (2):

All of Us Research Program, National Institutes of Health
Classification: Uncertain significance for Retinoblastoma. Last evaluated: 2023-08-15. Review status: criteria provided, single submitter. Criteria: ACMG Guidelines, 2015. Collection method: clinical testing. Allele origin: germline. Inheritance: Autosomal dominant inheritance. Observed: 1 variant allele, 1 heterozygote.
Comment: This missense variant replaces leucine with isoleucine at codon 206 of the RB1 protein. Computational prediction suggests that this variant may not impact protein structure and function (internally defined REVEL score threshold <= 0.5, PMID: 27666373). To our knowledge, functional studies have not been reported for this variant. This variant has not been reported in individuals affected with RB1-related disorders in the literature. This variant has not been identified in the general population by the Genome Aggregation Database (gnomAD). The available evidence is insufficient to determine the role of this variant in disease conclusively. Therefore, this variant is classified as a Variant of Uncertain Significance.

This study involves interpretation of variants in research participants for the purpose of population health screening. Participant phenotype was not available at the time of variant classification. Additional details can be found in publication PMID: 35346344, PMCID: PMC8962531

Color Diagnostics, LLC DBA Color Health
Classification: Uncertain significance for Retinoblastoma. Last evaluated: 2023-06-07. Review status: criteria provided, single submitter. Criteria: ACMG Guidelines, 2015. Collection method: clinical testing. Allele origin: germline.
Comment: This missense variant replaces leucine with isoleucine at codon 206 of the RB1 protein. Computational prediction suggests that this variant may not impact protein structure and function (internally defined REVEL score threshold <= 0.5, PMID: 27666373). To our knowledge, functional studies have not been reported for this variant. This variant has not been reported in individuals affected with RB1-related disorders in the literature. This variant has not been identified in the general population by the Genome Aggregation Database (gnomAD). The available evidence is insufficient to determine the role of this variant in disease conclusively. Therefore, this variant is classified as a Variant of Uncertain Significance.

NM_000321.3(RB1):c.616T>A (p.Leu206Ile)

Gene: RB1 (RB transcriptional corepressor 1; plus strand). Cytogenetic location: 13q14.2.
Variant type: single nucleotide variant.
Coding change: c.616T>A on transcript NM_000321.3 (MANE Select); coding-DNA position 616, T replaced by A.
Protein change: p.Leu206Ile; replaces leucine 206 with isoleucine.
Molecular consequence: missense variant.
Genome position (GRCh38, 1-based): chr13:48,360,025, T>A. VCF-style: chr13-48360025-T-A. GRCh37 (hg19) VCF-style: chr13-48934161-T-A.
Other names: c.616T>A, p.Leu206Ile (NM_001407165.1, NM_001407166.1); short protein forms L206I.
Identifiers: ClinVar variation 2774209 (VCV002774209.3), dbSNP rs886050270, ClinGen allele CA388158112.